The following is an entry in ClinVar:

ClinVar aggregate classification (germline): Uncertain significance (1 of 4 stars; one submission).

Submission:

Labcorp Genetics (formerly Invitae), Labcorp
Classification: Uncertain significance. Last evaluated: 2023-12-13. Review status: criteria provided, single submitter. Criteria: Invitae Variant Classification Sherloc (09022015). Collection method: clinical testing. Allele origin: germline.
Comment: This variant, c.329_331del, results in the deletion of 1 amino acid(s) of the GRHL2 protein (p.Gly110del), but otherwise preserves the integrity of the reading frame. This variant is not present in population databases (gnomAD no frequency). This variant has not been reported in the literature in individuals affected with GRHL2-related conditions. Experimental studies and prediction algorithms are not available or were not evaluated, and the functional significance of this variant is currently unknown. In summary, the available evidence is currently insufficient to determine the role of this variant in disease. Therefore, it has been classified as a Variant of Uncertain Significance.

NM_024915.4(GRHL2):c.326GAG[1] (p.Gly110del)

Gene: GRHL2 (grainyhead like transcription factor 2; plus strand). Cytogenetic location: 8q22.3.
Variant type: Microsatellite.
Coding change: c.326GAG[1] on transcript NM_024915.4 (MANE Select); one copy of the 3-base unit GAG starting at c.326; the reference has two copies in a row; one copy, 3 bases deleted.
Protein change: p.Gly110del; deletes glycine 110.
Molecular consequence: inframe deletion.
Genome position (GRCh38, 1-based): chr8:101,558,463-101,558,465, GAG deleted; deleting any 3 consecutive bases within chr8:101,558,459-101,558,465 gives the same sequence; the position shown is the placement nearest the transcript's 3' end. VCF-style (leftmost placement, unchanged base first): chr8-101558458-TGGA-T. GRCh37 (hg19) VCF-style: chr8-102570686-TGGA-T.
Other names: c.278GAG[1], p.Gly94del (NM_001330593.2); short protein forms G94del, G110del.
Identifiers: ClinVar variation 2983424 (VCV002983424.3), dbSNP rs2536824910, ClinGen allele CA2740095114.